The following is an entry in ClinVar:

NM_000327.4(ROM1):c.621C>G (p.Tyr207Ter)

Gene: ROM1 (retinal outer segment membrane protein 1; plus strand). Cytogenetic location: 11q12.3.
Variant type: single nucleotide variant.
Coding change: c.621C>G on transcript NM_000327.4 (MANE Select); coding-DNA position 621, C replaced by G.
Protein change: p.Tyr207Ter; replaces tyrosine 207 with a stop codon.
Molecular consequence: nonsense.
Genome position (GRCh38, 1-based): chr11:62,614,288, C>G. VCF-style: chr11-62614288-C-G. GRCh37 (hg19) VCF-style: chr11-62381760-C-G.
Other names: short protein forms Y207*.
Identifiers: ClinVar variation 3670431 (VCV003670431.2).

ClinVar aggregate classification (germline): Uncertain significance (1 of 4 stars; one submission).

Submission:

Labcorp Genetics (formerly Invitae), Labcorp
Classification: Uncertain significance. Last evaluated: 2024-09-17. Review status: criteria provided, single submitter. Criteria: Invitae Variant Classification Sherloc (09022015). Collection method: clinical testing. Allele origin: germline.
Comment: This sequence change creates a premature translational stop signal (p.Tyr207*) in the ROM1 gene. It is expected to result in an absent or disrupted protein product. However, the current clinical and genetic evidence is not sufficient to establish whether loss-of-function variants in ROM1 cause disease. This variant is not present in population databases (gnomAD no frequency). This variant has not been reported in the literature in individuals affected with ROM1-related conditions. In summary, the available evidence is currently insufficient to determine the role of this variant in disease. Therefore, it has been classified as a Variant of Uncertain Significance.